The following is an entry in ClinVar:

ClinVar aggregate classification (germline): Uncertain significance (1 of 4 stars; one submission).

Allele frequency attached by ClinVar (database versions not stated): ExAC 0.00002; TOPMed 0.00003; gnomAD 0.00004; 1000 Genomes Project 0.00040; 1000 Genomes Project 30x 0.00062.
gnomAD v4.1: 52 of 1,613,830 alleles (0.0032%); highest among the groups gnomAD compares: East Asian, 0.029%; no homozygotes.

Submission:

Labcorp Genetics (formerly Invitae), Labcorp
Classification: Uncertain significance. Last evaluated: 2022-10-17. Review status: criteria provided, single submitter. Criteria: Invitae Variant Classification Sherloc (09022015). Collection method: clinical testing. Allele origin: germline.
Comment: This sequence change replaces glycine, which is neutral and non-polar, with serine, which is neutral and polar, at codon 186 of the RUSC2 protein (p.Gly186Ser). This variant is present in population databases (rs186512515, gnomAD 0.02%). This variant has not been reported in the literature in individuals affected with RUSC2-related conditions. ClinVar contains an entry for this variant (Variation ID: 1417425). Algorithms developed to predict the effect of missense changes on protein structure and function output the following: SIFT: "Tolerated"; PolyPhen-2: "Benign"; Align-GVGD: "Class C0". The serine amino acid residue is found in multiple mammalian species, which suggests that this missense change does not adversely affect protein function. In summary, the available evidence is currently insufficient to determine the role of this variant in disease. Therefore, it has been classified as a Variant of Uncertain Significance.

NM_014806.5(RUSC2):c.556G>A (p.Gly186Ser)

Gene: RUSC2 (RUN and SH3 domain containing 2; plus strand). Cytogenetic location: 9p13.3.
Variant type: single nucleotide variant.
Coding change: c.556G>A on transcript NM_014806.5 (MANE Select); coding-DNA position 556, G replaced by A.
Protein change: p.Gly186Ser; replaces glycine 186 with serine.
Molecular consequence: missense variant. On other transcripts: non-coding transcript variant (1), intron variant (1).
Genome position (GRCh38, 1-based): chr9:35,547,077, G>A. VCF-style: chr9-35547077-G-A. GRCh37 (hg19) VCF-style: chr9-35547074-G-A.
Other names: c.556G>A, p.Gly186Ser (NM_001135999.2); c.-620-7983G>A (NM_001330740.2); short protein forms G186S.
Identifiers: ClinVar variation 1417425 (VCV001417425.5), dbSNP rs186512515, ClinGen allele CA5043493.